The following is an entry in ClinVar:

ClinVar aggregate classification (germline): Pathogenic (1 of 4 stars; one submission).

Conditions:
Neurofibromatosis, type 1 (NF1). Also called: Neurofibromatosis, type I; VON RECKLINGHAUSEN DISEASE; NEUROFIBROMATOSIS, TYPE I, SOMATIC; Peripheral type neurofibromatosis. Identifiers: Orphanet 636, MedGen C0027831, MONDO:0018975, OMIM 162200. Disease mechanism: loss of function.

Submission:

Labcorp Genetics (formerly Invitae), Labcorp
Classification: Pathogenic for Neurofibromatosis, type 1. Last evaluated: 2021-09-05. Review status: criteria provided, single submitter. Criteria: Invitae Variant Classification Sherloc (09022015). Collection method: clinical testing. Allele origin: germline.
Comment: This sequence change creates a premature translational stop signal (p.Thr197Serfs*3) in the NF1 gene. It is expected to result in an absent or disrupted protein product. Loss-of-function variants in NF1 are known to be pathogenic (PMID: 10712197, 23913538). This variant is not present in population databases (ExAC no frequency). This variant has not been reported in the literature in individuals affected with NF1-related conditions. For these reasons, this variant has been classified as Pathogenic.

Literature cited by the submitters: PubMed 10712197; PubMed 23913538.

NM_001042492.3(NF1):c.590_591del (p.Thr197fs)

Gene: NF1 (neurofibromin 1; plus strand). Cytogenetic location: 17q11.2.
Variant type: Deletion.
Coding change: c.590_591del on transcript NM_001042492.3 (MANE Select); coding-DNA positions 590 to 591, 2 bases deleted (CA; older notation c.590_591delCA).
Protein change: p.Thr197fs; shifts the reading frame from threonine 197.
Molecular consequence: frameshift variant.
Genome position (GRCh38, 1-based): chr17:31,181,425-31,181,426, CA deleted; deleting any 2 consecutive bases within chr17:31,181,424-31,181,426 gives the same sequence; the c. name uses the placement nearest the transcript's 3' end. VCF-style (leftmost placement, unchanged base first): chr17-31181423-AAC-A. GRCh37 (hg19) VCF-style: chr17-29508441-AAC-A.
Other names: c.590_591delCA, p.Thr197Serfs (NM_000267.4); c.590_591del, p.Thr197fs (NM_001128147.3); short protein forms T197fs.
Identifiers: ClinVar variation 1453555 (VCV001453555.6), dbSNP rs2143773941, ClinGen allele CA2573153542.